The following is an entry in ClinVar:

NM_206933.4(USH2A):c.10994G>A (p.Gly3665Glu)

Gene: USH2A (usherin; minus strand). Cytogenetic location: 1q41.
Variant type: single nucleotide variant.
Coding change: c.10994G>A on transcript NM_206933.4 (MANE Select); coding-DNA position 10994, G replaced by A.
Protein change: p.Gly3665Glu; replaces glycine 3665 with glutamic acid.
Molecular consequence: missense variant.
Genome position (GRCh38, 1-based): chr1:215,766,734, C>T on the plus strand (G>A on the coding strand, the complement: USH2A is on the minus strand). VCF-style: chr1-215766734-C-T. GRCh37 (hg19) VCF-style: chr1-215940076-C-T.
Other names: short protein forms G3665E.
Identifiers: ClinVar variation 1986727 (VCV001986727.1), dbSNP rs1400410579, ClinGen allele CA344827135.

ClinVar aggregate classification (germline): Uncertain significance (1 of 4 stars; one submission).

Allele frequency attached by ClinVar (database versions not stated): TOPMed below 0.00001; gnomAD 0.00001.
gnomAD v4.1: 1 of 1,613,468 alleles (0.000062%); highest among the groups gnomAD compares: Non-Finnish European, 0.000085%; no homozygotes.

Submission:

Labcorp Genetics (formerly Invitae), Labcorp
Classification: Uncertain significance. Last evaluated: 2022-06-01. Review status: criteria provided, single submitter. Criteria: Invitae Variant Classification Sherloc (09022015). Collection method: clinical testing. Allele origin: germline.
Comment: This sequence change replaces glycine, which is neutral and non-polar, with glutamic acid, which is acidic and polar, at codon 3665 of the USH2A protein (p.Gly3665Glu). This variant is not present in population databases (gnomAD no frequency). This variant has not been reported in the literature in individuals affected with USH2A-related conditions. Algorithms developed to predict the effect of missense changes on protein structure and function are either unavailable or do not agree on the potential impact of this missense change (SIFT: "Deleterious"; PolyPhen-2: "Probably Damaging"; Align-GVGD: "Class C0"). In summary, the available evidence is currently insufficient to determine the role of this variant in disease. Therefore, it has been classified as a Variant of Uncertain Significance.